The following is an entry in ClinVar:

ClinVar aggregate classification (germline): Uncertain significance (1 of 4 stars; one submission).

Conditions:
Congenital myotonia, autosomal dominant form (THD). Also called: THOMSEN DISEASE; Myotonia congenita autosomal dominant. Identifiers: Orphanet 614, MedGen C2936781, MONDO:0008055, OMIM 160800.
Congenital myotonia, autosomal recessive form. Also called: BECKER DISEASE; Becker Generalized Myotonia; myotonia congenita, autosomal recessive. Identifiers: Orphanet 614, MedGen C0751360, MONDO:0009715, OMIM 255700.

Submission:

Labcorp Genetics (formerly Invitae), Labcorp
Classification: Uncertain significance for Congenital myotonia, autosomal recessive form; Congenital myotonia, autosomal dominant form. Last evaluated: 2025-04-15. Review status: criteria provided, single submitter. Criteria: Invitae Variant Classification Sherloc (09022015). Collection method: clinical testing. Allele origin: germline.
Comment: This sequence change replaces proline, which is neutral and non-polar, with serine, which is neutral and polar, at codon 478 of the CLCN1 protein (p.Pro478Ser). This variant is not present in population databases (gnomAD no frequency). This variant has not been reported in the literature in individuals affected with CLCN1-related conditions. Invitae Evidence Modeling of protein sequence and biophysical properties (such as structural, functional, and spatial information, amino acid conservation, physicochemical variation, residue mobility, and thermodynamic stability) indicates that this missense variant is expected to disrupt CLCN1 protein function with a positive predictive value of 95%. In summary, the available evidence is currently insufficient to determine the role of this variant in disease. Therefore, it has been classified as a Variant of Uncertain Significance.

NM_000083.3(CLCN1):c.1432C>T (p.Pro478Ser)

Gene: CLCN1 (chloride voltage-gated channel 1; plus strand). Cytogenetic location: 7q34.
Variant type: single nucleotide variant.
Coding change: c.1432C>T on transcript NM_000083.3 (MANE Select); coding-DNA position 1432, C replaced by T.
Protein change: p.Pro478Ser; replaces proline 478 with serine.
Molecular consequence: missense variant. On other transcripts: non-coding transcript variant (1).
Genome position (GRCh38, 1-based): chr7:143,339,283, C>T. VCF-style: chr7-143339283-C-T. GRCh37 (hg19) VCF-style: chr7-143036376-C-T.
Other names: short protein forms P478S.
Identifiers: ClinVar variation 4791917 (VCV004791917.1).